The following is an entry in ClinVar:

NM_014780.5(CUL7):c.4289A>G (p.Asn1430Ser)

Gene: CUL7 (cullin 7; minus strand). Cytogenetic location: 6p21.1.
Variant type: single nucleotide variant.
Coding change: c.4289A>G on transcript NM_014780.5 (MANE Select); coding-DNA position 4289, A replaced by G.
Protein change: p.Asn1430Ser; replaces asparagine 1430 with serine.
Molecular consequence: missense variant.
Genome position (GRCh38, 1-based): chr6:43,040,161, T>C on the plus strand (A>G on the coding strand, the complement: CUL7 is on the minus strand). VCF-style: chr6-43040161-T-C. GRCh37 (hg19) VCF-style: chr6-43007899-T-C.
Other names: c.4385A>G, p.Asn1462Ser (NM_001168370.2, NM_001374872.1); c.4289A>G, p.Asn1430Ser (NM_001374873.1); c.4286A>G, p.Asn1429Ser (NM_001374874.1); short protein forms N1462S, N1429S, N1430S.
Identifiers: ClinVar variation 1914501 (VCV001914501.3), dbSNP rs372329826, ClinGen allele CA3813266.

ClinVar aggregate classification (germline): Uncertain significance (1 of 4 stars; one submission).

Allele frequency attached by ClinVar (database versions not stated): ExAC 0.00001; gnomAD 0.00001; TOPMed 0.00001; gnomAD exomes 0.00003; ESP Exome Variant Server 0.00008.

Submission:

Labcorp Genetics (formerly Invitae), Labcorp
Classification: Uncertain significance. Last evaluated: 2024-02-19. Review status: criteria provided, single submitter. Criteria: Invitae Variant Classification Sherloc (09022015). Collection method: clinical testing. Allele origin: germline.
Comment: This sequence change replaces asparagine, which is neutral and polar, with serine, which is neutral and polar, at codon 1430 of the CUL7 protein (p.Asn1430Ser). This variant is present in population databases (rs372329826, gnomAD 0.003%). This variant has not been reported in the literature in individuals affected with CUL7-related conditions. ClinVar contains an entry for this variant (Variation ID: 1914501). Advanced modeling of protein sequence and biophysical properties (such as structural, functional, and spatial information, amino acid conservation, physicochemical variation, residue mobility, and thermodynamic stability) performed at Invitae indicates that this missense variant is not expected to disrupt CUL7 protein function with a negative predictive value of 80%. In summary, the available evidence is currently insufficient to determine the role of this variant in disease. Therefore, it has been classified as a Variant of Uncertain Significance.